The following is an entry in ClinVar:

ClinVar aggregate classification (germline): Pathogenic (1 of 4 stars; one submission).

Conditions:
Congenital lactic acidosis, Saguenay-Lac-Saint-Jean type (MC4DN5). Also called: CYTOCHROME c OXIDASE DEFICIENCY, FRENCH CANADIAN TYPE; COX DEFICIENCY, FRENCH CANADIAN TYPE; MITOCHONDRIAL COMPLEX IV DEFICIENCY, NUCLEAR TYPE 5. Identifiers: Orphanet 70472, MedGen C1857355, MONDO:0009069, OMIM 220111.

Submission:

Myriad Genetics, Inc.
Classification: Pathogenic for Congenital lactic acidosis, Saguenay-Lac-Saint-Jean type. Last evaluated: 2026-01-06. Review status: criteria provided, single submitter. Criteria: Myriad Autosomal Dominant, Autosomal Recessive and X-Linked Classification Criteria (2023). Collection method: clinical testing. Allele origin: unknown.
Comment: NM_133259.3(LRPPRC):c.3060delA(K1020Nfs*4) is expected to be pathogenic in the context of Leigh syndrome, French-Canadian type. This variant is predicted to lead to an abnormal or absent protein product due to the creation of a premature termination codon in LRPPRC, a gene where loss-of-function variants are known to be pathogenic. Please note: this variant was assessed in the context of healthy population screening.

NM_133259.4(LRPPRC):c.3060del (p.Lys1020fs)

Gene: LRPPRC (leucine rich pentatricopeptide repeat containing; minus strand). Cytogenetic location: 2p21.
Variant type: Deletion.
Coding change: c.3060del on transcript NM_133259.4 (MANE Select); coding-DNA position 3060, one base deleted (A; older notation c.3060delA).
Protein change: p.Lys1020fs; shifts the reading frame from lysine 1020.
Molecular consequence: frameshift variant.
Genome position (GRCh38, 1-based): chr2:43,918,113, T deleted on the plus strand (A on the coding strand, the reverse complement: LRPPRC is on the minus strand); the first of 5 consecutive T bases (chr2:43,918,113-43,918,117); deleting any one gives the same sequence. VCF-style (leftmost placement, unchanged base first): chr2-43918112-GT-G. GRCh37 (hg19) VCF-style: chr2-44145251-GT-G.
Other names: short protein forms K1020fs.
Identifiers: ClinVar variation 5015394 (VCV005015394.1).